The following is an entry in ClinVar:

NM_001267550.2(TTN):c.19672G>A (p.Val6558Ile)

Gene: TTN (titin; minus strand). Cytogenetic location: 2q31.2.
Variant type: single nucleotide variant.
Coding change: c.19672G>A on transcript NM_001267550.2 (MANE Select); coding-DNA position 19672, G replaced by A.
Protein change: p.Val6558Ile; replaces valine 6558 with isoleucine.
Molecular consequence: missense variant. On other transcripts: intron variant (3).
Genome position (GRCh38, 1-based): chr2:178,728,152, C>T on the plus strand (G>A on the coding strand, the complement: TTN is on the minus strand). VCF-style: chr2-178728152-C-T. GRCh37 (hg19) VCF-style: chr2-179592879-C-T.
Other names: c.18721G>A, p.Val6241Ile (NM_001256850.1); c.15940G>A, p.Val5314Ile (NM_133378.4); c.13282+9930G>A (NM_003319.4); c.13858+9930G>A (NM_133437.4); c.13657+9930G>A (NM_133432.3); short protein forms V5314I, V6558I, V6241I.
Identifiers: ClinVar variation 502451 (VCV000502451.7), dbSNP rs879223660, ClinGen allele CA60976991.

ClinVar aggregate classification (germline): Uncertain significance. Review status: criteria provided, multiple submitters, no conflicts (2 of 4 stars). 2 submissions from 2 submitters: Uncertain significance (2). Last evaluated 2019-05-01.

Allele frequency attached by ClinVar (database versions not stated): gnomAD exomes below 0.00001; gnomAD 0.00003 and 0.00004; TOPMed 0.00003.
gnomAD v4.1: 6 of 1,606,654 alleles (0.00037%); highest among the groups gnomAD compares: African/African-American, 0.008%; no homozygotes.

Submissions (2):

GeneDx
Classification: Uncertain significance. Last evaluated: 2019-05-01. Review status: criteria provided, single submitter. Criteria: GeneDx Variant Classification Process June 2021. Collection method: clinical testing. Allele origin: germline. Affected: yes.
Comment: Has not been previously published as pathogenic or benign to our knowledge; Not observed at a significant frequency in large population cohorts (Lek et al., 2016); Missense variant in a gene in which most reported pathogenic variants are truncating/loss-of-function; Not located in the A-band nor the M-line region of titin, where the majority of pathogenic truncating variants have been reported; In silico analysis, which includes protein predictors and evolutionary conservation, supports that this variant does not alter protein structure/function

Eurofins Ntd Llc (ga)
Classification: Uncertain significance. Last evaluated: 2017-06-07. Review status: criteria provided, single submitter. Criteria: EGL Classification Definitions 2015. Collection method: clinical testing. Allele origin: germline. Observed: 1 variant allele, 1 heterozygote.